The following is an entry in ClinVar:

NM_001374385.1(ATP8B1):c.1781T>G (p.Leu594Trp)

Gene: ATP8B1 (ATPase phospholipid transporting 8B1; minus strand). Cytogenetic location: 18q21.31.
Variant type: single nucleotide variant.
Coding change: c.1781T>G on transcript NM_001374385.1 (MANE Select); coding-DNA position 1781, T replaced by G.
Protein change: p.Leu594Trp; replaces leucine 594 with tryptophan.
Molecular consequence: missense variant.
Genome position (GRCh38, 1-based): chr18:57,674,872, A>C on the plus strand (T>G on the coding strand, the complement: ATP8B1 is on the minus strand). VCF-style: chr18-57674872-A-C. GRCh37 (hg19) VCF-style: chr18-55342104-A-C.
Other names: c.1631T>G, p.Leu544Trp (NM_001374386.1); c.1781T>G, p.Leu594Trp (NM_005603.6); short protein forms L544W, L594W.
Identifiers: ClinVar variation 2849741 (VCV002849741.3), dbSNP rs2511706451, ClinGen allele CA402560744.
Genomic context (GRCh38, chr18:57,674,872, plus strand): 5'-ACAGACTCTGAGGGGGACTTACCAATGATAGACATTCGCTTCCGGTCACTGTTGAAGTCC[A>C]AAATGGCAAGAACATTGTAAGTCCTTTCAGTGCCCAGTTCACTGATGGTGATGGTGTTCT-3'
Protein context (NP_001361314.1, residues 584-604): TERTYNVLAI[Leu594Trp]DFNSDRKRMS

ClinVar aggregate classification (germline): Uncertain significance (1 of 4 stars; one submission).

Submission:

Labcorp Genetics (formerly Invitae), Labcorp
Classification: Uncertain significance. Last evaluated: 2023-03-26. Review status: criteria provided, single submitter. Criteria: Invitae Variant Classification Sherloc (09022015). Collection method: clinical testing. Allele origin: germline.
Comment: This variant is not present in population databases (gnomAD no frequency). This sequence change replaces leucine, which is neutral and non-polar, with tryptophan, which is neutral and slightly polar, at codon 594 of the ATP8B1 protein (p.Leu594Trp). This variant has not been reported in the literature in individuals affected with ATP8B1-related conditions. Advanced modeling of protein sequence and biophysical properties (such as structural, functional, and spatial information, amino acid conservation, physicochemical variation, residue mobility, and thermodynamic stability) performed at Invitae indicates that this missense variant is expected to disrupt ATP8B1 protein function. In summary, the available evidence is currently insufficient to determine the role of this variant in disease. Therefore, it has been classified as a Variant of Uncertain Significance.